The following is an entry in ClinVar:

NM_000179.3(MSH6):c.344T>G (p.Phe115Cys)

Gene: MSH6 (mutS homolog 6; plus strand). Cytogenetic location: 2p16.3.
Variant type: single nucleotide variant.
Coding change: c.344T>G on transcript NM_000179.3 (MANE Select); coding-DNA position 344, T replaced by G.
Protein change: p.Phe115Cys; replaces phenylalanine 115 with cysteine.
Molecular consequence: missense variant. On other transcripts: 5 prime UTR variant (2), intron variant (1).
Genome position (GRCh38, 1-based): chr2:47,791,010, T>G. VCF-style: chr2-47791010-T-G. GRCh37 (hg19) VCF-style: chr2-48018149-T-G.
Other names: c.-393T>G (NM_001281493.2); c.-559T>G (NM_001281494.2); c.237+7540T>G (NM_001281492.2); short protein forms F115C.
Identifiers: ClinVar variation 629038 (VCV000629038.4), dbSNP rs781271765, ClinGen allele CA346736976.

ClinVar aggregate classification (germline): Uncertain significance (1 of 4 stars; one submission).

Conditions:
Hereditary cancer-predisposing syndrome. Also called: Neoplastic Syndromes, Hereditary; Tumor predisposition; Hereditary neoplastic syndrome; Hereditary Cancer Syndrome. Identifiers: Orphanet 140162, MedGen C0027672, MeSH D009386, MONDO:0015356.

Submission:

Color Diagnostics, LLC DBA Color Health
Classification: Uncertain significance for Hereditary cancer-predisposing syndrome. Last evaluated: 2023-12-05. Review status: criteria provided, single submitter. Criteria: ACMG Guidelines, 2015. Collection method: clinical testing. Allele origin: germline.
Comment: This missense variant replaces phenylalanine with cysteine at codon 115 of the MSH6 protein. Computational prediction suggests that this variant may not impact protein structure and function (internally defined REVEL score threshold <= 0.5, PMID: 27666373). To our knowledge, functional studies have not been reported for this variant. This variant has not been reported in individuals affected with MSH6-related disorders in the literature. This variant has not been identified in the general population by the Genome Aggregation Database (gnomAD). The available evidence is insufficient to determine the role of this variant in disease conclusively. Therefore, this variant is classified as a Variant of Uncertain Significance.